The following is an entry in ClinVar:

NM_000387.6(SLC25A20):c.70C>G (p.Leu24Val)

Gene: SLC25A20 (solute carrier family 25 member 20; minus strand). Cytogenetic location: 3p21.31.
Variant type: single nucleotide variant.
Coding change: c.70C>G on transcript NM_000387.6 (MANE Select); coding-DNA position 70, C replaced by G.
Protein change: p.Leu24Val; replaces leucine 24 with valine.
Molecular consequence: missense variant.
Genome position (GRCh38, 1-based): chr3:48,898,725, G>C on the plus strand (C>G on the coding strand, the complement: SLC25A20 is on the minus strand). VCF-style: chr3-48898725-G-C. GRCh37 (hg19) VCF-style: chr3-48936158-G-C.
Other names: short protein forms L24V.
Identifiers: ClinVar variation 1383445 (VCV001383445.6), dbSNP rs2106672482, ClinGen allele CA352639172.

ClinVar aggregate classification (germline): Uncertain significance (1 of 4 stars; one submission).

Conditions:
Carnitine acylcarnitine translocase deficiency (CACTD). Identifiers: Orphanet 159, MedGen C0342791, MONDO:0008918, OMIM 212138.

Allele frequency attached by ClinVar (database versions not stated): gnomAD exomes below 0.00001.
gnomAD v4.1: 2 of 1,608,814 alleles (0.00012%); highest among the groups gnomAD compares: African/African-American, 0.0013%; no homozygotes.

Submission:

Labcorp Genetics (formerly Invitae), Labcorp
Classification: Uncertain significance for Carnitine acylcarnitine translocase deficiency. Last evaluated: 2022-06-27. Review status: criteria provided, single submitter. Criteria: Invitae Variant Classification Sherloc (09022015). Collection method: clinical testing. Allele origin: germline.
Comment: Algorithms developed to predict the effect of missense changes on protein structure and function output the following: SIFT: "Tolerated"; PolyPhen-2: "Benign"; Align-GVGD: "Class C0". The valine amino acid residue is found in multiple mammalian species, which suggests that this missense change does not adversely affect protein function. In summary, the available evidence is currently insufficient to determine the role of this variant in disease. Therefore, it has been classified as a Variant of Uncertain Significance. This variant has not been reported in the literature in individuals affected with SLC25A20-related conditions. This variant is not present in population databases (gnomAD no frequency). This sequence change replaces leucine, which is neutral and non-polar, with valine, which is neutral and non-polar, at codon 24 of the SLC25A20 protein (p.Leu24Val).